The following is an entry in ClinVar:

ClinVar aggregate classification (germline): Uncertain significance. Review status: criteria provided, multiple submitters, no conflicts (2 of 4 stars). 2 submissions from 2 submitters: Uncertain significance (2). Last evaluated 2024-03-06.

Conditions:
Inborn genetic diseases. Identifiers: MedGen C0950123, MeSH D030342.

Allele frequency attached by ClinVar (database versions not stated): gnomAD exomes below 0.00001.
gnomAD v4.1: 3 of 1,207,307 alleles (0.00025%); highest among the groups gnomAD compares: East Asian, 0.003%; no homozygotes.

Submissions (2):

Labcorp Genetics (formerly Invitae), Labcorp
Classification: Uncertain significance. Last evaluated: 2024-03-06. Review status: criteria provided, single submitter. Criteria: Invitae Variant Classification Sherloc (09022015). Collection method: clinical testing. Allele origin: germline.
Comment: This sequence change replaces arginine, which is basic and polar, with tryptophan, which is neutral and slightly polar, at codon 333 of the GRIA3 protein (p.Arg333Trp). This variant is not present in population databases (gnomAD no frequency). This variant has not been reported in the literature in individuals affected with GRIA3-related conditions. ClinVar contains an entry for this variant (Variation ID: 2478534). Advanced modeling of protein sequence and biophysical properties (such as structural, functional, and spatial information, amino acid conservation, physicochemical variation, residue mobility, and thermodynamic stability) performed at Invitae indicates that this missense variant is expected to disrupt GRIA3 protein function with a positive predictive value of 80%. In summary, the available evidence is currently insufficient to determine the role of this variant in disease. Therefore, it has been classified as a Variant of Uncertain Significance.

Ambry Genetics
Classification: Uncertain significance for Inborn genetic diseases. Last evaluated: 2023-01-24. Review status: criteria provided, single submitter. Criteria: Ambry Variant Classification Scheme 2023. Collection method: clinical testing. Allele origin: germline.

NM_007325.5(GRIA3):c.997C>T (p.Arg333Trp)

Gene: GRIA3 (glutamate ionotropic receptor AMPA type subunit 3; plus strand). Cytogenetic location: Xq25.
Variant type: single nucleotide variant.
Coding change: c.997C>T on transcript NM_007325.5 (MANE Select); coding-DNA position 997, C replaced by T.
Protein change: p.Arg333Trp; replaces arginine 333 with tryptophan.
Molecular consequence: missense variant.
Genome position (GRCh38, 1-based): chrX:123,398,720, C>T. VCF-style: chrX-123398720-C-T. GRCh37 (hg19) VCF-style: chrX-122532571-C-T.
Other names: c.997C>T, p.Arg333Trp (NM_000828.5); short protein forms R333W.
Identifiers: ClinVar variation 2478534 (VCV002478534.4), dbSNP rs2521156381, ClinGen allele CA414258165.